The following is an entry in ClinVar:

NM_000492.4(CFTR):c.2458A>T (p.Ile820Leu)

Gene: CFTR (CF transmembrane conductance regulator; plus strand). Cytogenetic location: 7q31.2.
Variant type: single nucleotide variant.
Coding change: c.2458A>T on transcript NM_000492.4 (MANE Select); coding-DNA position 2458, A replaced by T.
Protein change: p.Ile820Leu; replaces isoleucine 820 with leucine.
Molecular consequence: missense variant.
Genome position (GRCh38, 1-based): chr7:117,592,625, A>T. VCF-style: chr7-117592625-A-T. GRCh37 (hg19) VCF-style: chr7-117232679-A-T.
Other names: short protein forms I820L.
Identifiers: ClinVar variation 3266659 (VCV003266659.1).

ClinVar aggregate classification (germline): Uncertain significance (1 of 4 stars; one submission).

Conditions:
Cystic fibrosis (CF). Also called: MUCOVISCIDOSIS. Identifiers: Orphanet 586, MedGen C0010674, MONDO:0009061, OMIM 219700. Disease mechanism: loss of function.

Submission:

Ambry Genetics
Classification: Uncertain significance for Cystic fibrosis. Last evaluated: 2024-04-28. Review status: criteria provided, single submitter. Criteria: Ambry Variant Classification Scheme 2023. Collection method: clinical testing. Allele origin: germline.
Comment: The p.I820L variant (also known as c.2458A>T), located in coding exon 14 of the CFTR gene, results from an A to T substitution at nucleotide position 2458. The isoleucine at codon 820 is replaced by leucine, an amino acid with highly similar properties. This amino acid position is conserved. In addition, the in silico prediction for this alteration is inconclusive. Based on the available evidence, the clinical significance of this variant remains unclear.